The following is an entry in ClinVar:

ClinVar aggregate classification (germline): Pathogenic. Review status: criteria provided, multiple submitters, no conflicts (2 of 4 stars). 3 submissions from 3 submitters: Pathogenic (2). 1 of the submissions does not count toward it. Last evaluated 2025-12-09.

Conditions:
Autosomal recessive limb-girdle muscular dystrophy type 2A (LGMDR1). Also called: Muscular dystrophy, limb-girdle, type 2A, Amish; Limb-girdle muscular dystrophy, type 2A; Calpainopathy; LEYDEN-MOEBIUS MUSCULAR DYSTROPHY; MUSCULAR DYSTROPHY, PELVOFEMORAL. Identifiers: Orphanet 267, MedGen C1869123, MONDO:0009675, OMIM 253600. Disease mechanism: loss of function.

Allele frequency attached by ClinVar (database versions not stated): gnomAD exomes below 0.00001.

Submissions (3):

3billion
Classification: Pathogenic for Autosomal recessive limb-girdle muscular dystrophy type 2A. Last evaluated: 2025-12-09. Review status: criteria provided, single submitter. Criteria: ACMG Guidelines, 2015. Collection method: clinical testing. Allele origin: germline. Affected: yes.
Comment: The variant is not observed in the gnomAD v4.1.0 dataset. Predicted Consequence/Location: Canonical splice site: predicted to alter splicing and result in a loss or disruption of normal protein function. Multiple pathogenic loss-of-function variants are reported downstream of the variant. The variant has been reported at least twice as pathogenic without evidence for the classification (ClinVar ID: VCV000554341 /PMID: 17258832 /3billion dataset). Therefore, this variant is classified as Pathogenic according to the recommendation of ACMG/AMP guideline.

Natera, Inc.
Classification: Pathogenic for Limb-girdle muscular dystrophy type 2A. Last evaluated: 2025-09-26. Review status: criteria provided, single submitter. Criteria: Natera Variant Classification Schema (03/2026). Collection method: clinical testing. Allele origin: germline.
Comment: The c.1524+1G>T variant in CAPN3 is a canonical splice donor site variant predicted to affect pre-mRNA splicing, which may result in an abnormal transcript and altered protein product. This variant is expected to result in nonsense mediated decay, truncation, or a dysfunctional protein product. This variant is rare in the general population with a frequency below the threshold expected for the associated phenotype(s). This variant has been observed in one or more individuals affected with the associated recessive disease, as either homozygous or compound heterozygous with a second variant (PMID: 27500519). Another variant at this same site results in an alteration predicted to cause a similar molecular effect has been observed in individual(s) with the associated phenotype. Given the available evidence, this variant is classified as Pathogenic.

Counsyl
Classification: Pathogenic for Autosomal recessive limb-girdle muscular dystrophy type 2A. Last evaluated: 2017-10-16. Review status: no assertion criteria provided. Collection method: clinical testing. Allele origin: unknown. Not counted in ClinVar's aggregate classification.

Literature cited by the submitters: PubMed 17258832 (cited by 3billion and Counsyl); PubMed 27500519 (cited by Natera, Inc.); PubMed 26632398 (cited by Counsyl).

NM_000070.3(CAPN3):c.1524+1G>T

Gene: CAPN3 (calpain 3; plus strand). Cytogenetic location: 15q15.1.
Variant type: single nucleotide variant.
Coding change: c.1524+1G>T on transcript NM_000070.3 (MANE Select); the canonical splice donor site of the intron after coding-DNA position 1524, G replaced by T.
Molecular consequence: splice donor variant.
Genome position (GRCh38, 1-based): chr15:42,401,811, G>T. VCF-style: chr15-42401811-G-T. GRCh37 (hg19) VCF-style: chr15-42694009-G-T.
Other names: c.1524+1G>T (NM_024344.2); c.1380+1G>T (NM_173087.2).
Identifiers: ClinVar variation 554341 (VCV000554341.7), dbSNP rs1275289254, ClinGen allele CA392000017.